The following is an entry in ClinVar:

NM_001035.3(RYR2):c.7314C>A (p.Ile2438=)

Gene: RYR2 (ryanodine receptor 2; plus strand). Cytogenetic location: 1q43.
Variant type: single nucleotide variant.
Coding change: c.7314C>A on transcript NM_001035.3 (MANE Select); coding-DNA position 7314, C replaced by A.
Protein change: p.Ile2438=; no amino-acid change (isoleucine 2438 retained).
Molecular consequence: synonymous variant.
Genome position (GRCh38, 1-based): chr1:237,643,419, C>A. VCF-style: chr1-237643419-C-A. GRCh37 (hg19) VCF-style: chr1-237806719-C-A.
Other names: c.7314C>A, p.Ile2438= (LRG_402t1).
Identifiers: ClinVar variation 463634 (VCV000463634.17), dbSNP rs374418643, ClinGen allele CA087357.

ClinVar aggregate classification (germline): Likely benign. Review status: criteria provided, multiple submitters, no conflicts (2 of 4 stars). 4 submissions from 4 submitters: Likely benign (4). Last evaluated 2025-08-13.

Conditions:
Cardiovascular phenotype. Identifiers: MedGen CN230736.
Catecholaminergic polymorphic ventricular tachycardia (CVPT). Also called: Catecholamine-induced polymorphic ventricular tachycardia. Identifiers: Orphanet 3286, MedGen C5574922, MONDO:0017990.
Cardiomyopathy (CMYO). Also called: Cardiomyopathies. Identifiers: Orphanet 167848, MedGen C0878544, MONDO:0004994, HP:0001638. Inheritance: Various modes of inheritance.
Catecholaminergic polymorphic ventricular tachycardia 1. Also called: VENTRICULAR TACHYCARDIA, STRESS-INDUCED POLYMORPHIC 1; VENTRICULAR TACHYCARDIA, CATECHOLAMINERGIC POLYMORPHIC, 1, WITH OR WITHOUT ATRIAL DYSFUNCTION AND/OR DILATED CARDIOMYOPATHY; RYR2-Related Catecholaminergic Polymorphic Ventricular Tachycardia. Identifiers: Orphanet 3286, MedGen C1631597, MONDO:0011484, OMIM 604772.

Allele frequency attached by ClinVar (database versions not stated): TOPMed 0.00004.
gnomAD v4.1: 14 of 1,613,742 alleles (0.00087%); highest among the groups gnomAD compares: Middle Eastern, 0.016%; no homozygotes.

Submissions (4):

Labcorp Genetics (formerly Invitae), Labcorp
Classification: Likely benign for Catecholaminergic polymorphic ventricular tachycardia 1. Last evaluated: 2025-08-13. Review status: criteria provided, single submitter. Criteria: Invitae Variant Classification Sherloc (09022015). Collection method: clinical testing. Allele origin: germline.

All of Us Research Program, National Institutes of Health
Classification: Likely benign for Catecholaminergic polymorphic ventricular tachycardia. Last evaluated: 2024-06-17. Review status: criteria provided, single submitter. Criteria: ACMG Guidelines, 2015. Collection method: clinical testing. Allele origin: germline. Inheritance: Autosomal dominant inheritance. Observed: 1 variant allele, 1 heterozygote.
Comment: This study involves interpretation of variants in research participants for the purpose of population health screening. Participant phenotype was not available at the time of variant classification. Additional details can be found in publication PMID: 35346344, PMCID: PMC8962531

Ambry Genetics
Classification: Likely benign for Cardiovascular phenotype. Last evaluated: 2020-09-16. Review status: criteria provided, single submitter. Criteria: Ambry Variant Classification Scheme 2023. Collection method: clinical testing. Allele origin: germline.

Color Diagnostics, LLC DBA Color Health
Classification: Likely benign for Cardiomyopathy. Last evaluated: 2018-12-03. Review status: criteria provided, single submitter. Criteria: ACMG Guidelines, 2015. Collection method: clinical testing. Allele origin: germline.